The following is an entry in ClinVar:

NM_001025356.3(ANO6):c.238A>T (p.Arg80Ter)

Gene: ANO6 (anoctamin 6; plus strand). Cytogenetic location: 12q12.
Variant type: single nucleotide variant.
Coding change: c.238A>T on transcript NM_001025356.3 (MANE Select); coding-DNA position 238, A replaced by T.
Protein change: p.Arg80Ter; replaces arginine 80 with a stop codon.
Molecular consequence: nonsense.
Genome position (GRCh38, 1-based): chr12:45,331,382, A>T. VCF-style: chr12-45331382-A-T. GRCh37 (hg19) VCF-style: chr12-45725165-A-T.
Other names: c.184A>T, p.Arg62Ter (NM_001142678.2); c.238A>T, p.Arg80Ter (NM_001142679.2); c.301A>T, p.Arg101Ter (NM_001204803.2); c.205A>T, p.Arg69Ter (NM_001410973.1); short protein forms R101*, R62*, R69*, R80*.
Identifiers: ClinVar variation 4722053 (VCV004722053.1).

ClinVar aggregate classification (germline): Pathogenic (1 of 4 stars; one submission).

Submission:

Labcorp Genetics (formerly Invitae), Labcorp
Classification: Pathogenic. Last evaluated: 2025-06-29. Review status: criteria provided, single submitter. Criteria: Invitae Variant Classification Sherloc (09022015). Collection method: clinical testing. Allele origin: germline.
Comment: This sequence change creates a premature translational stop signal (p.Arg80*) in the ANO6 gene. It is expected to result in an absent or disrupted protein product. Loss-of-function variants in ANO6 are known to be pathogenic (PMID: 21107324, 21511967, 27879994). This variant is not present in population databases (gnomAD no frequency). This variant has not been reported in the literature in individuals affected with ANO6-related conditions. For these reasons, this variant has been classified as Pathogenic.

Literature cited by the submitters: PubMed 21107324; PubMed 21511967; PubMed 27879994.